The following is an entry in ClinVar:

ClinVar aggregate classification (germline): Pathogenic (1 of 4 stars; one submission).

Conditions:
Angelman syndrome-like. Identifiers: MedGen CN128785.
Developmental and epileptic encephalopathy, 2 (DEE2). Also called: INFANTILE SPASM SYNDROME, X-LINKED 2; CDKL5 deficiency disorder. Identifiers: Orphanet 1934, Orphanet 3451, Orphanet 505652, MedGen C4750718, MONDO:0010396, OMIM 300672.

Submission:

Labcorp Genetics (formerly Invitae), Labcorp
Classification: Pathogenic for Developmental and epileptic encephalopathy, 2; Angelman syndrome-like. Last evaluated: 2022-06-29. Review status: criteria provided, single submitter. Criteria: Invitae Variant Classification Sherloc (09022015). Collection method: clinical testing. Allele origin: germline.
Comment: This sequence change falls in intron 8 of the CDKL5 gene. It does not directly change the encoded amino acid sequence of the CDKL5 protein. It affects a nucleotide within the consensus splice site. This variant is not present in population databases (gnomAD no frequency). For these reasons, this variant has been classified as Pathogenic. This variant has been observed in individual(s) with clinical features of CDKL5-related conditions (Invitae). In at least one individual the variant was observed to be de novo. ClinVar contains an entry for this variant (Variation ID: 1020776). Variants that disrupt the consensus splice site are a relatively common cause of aberrant splicing (PMID: 17576681, 9536098). Algorithms developed to predict the effect of sequence changes on RNA splicing suggest that this variant may disrupt the consensus splice site.

Literature cited by the submitters: PubMed 17576681; PubMed 9536098.

NM_001323289.2(CDKL5):c.554+5G>A

Gene: CDKL5 (cyclin dependent kinase like 5; plus strand). Cytogenetic location: Xp22.13.
Variant type: single nucleotide variant.
Coding change: c.554+5G>A on transcript NM_001323289.2 (MANE Select); 5 bases into the intron after coding-DNA position 554, G replaced by A.
Molecular consequence: intron variant.
Genome position (GRCh38, 1-based): chrX:18,584,358, G>A. VCF-style: chrX-18584358-G-A. GRCh37 (hg19) VCF-style: chrX-18602478-G-A.
Other names: c.554+5G>A (NM_003159.3, NM_001037343.2).
Identifiers: ClinVar variation 1020776 (VCV001020776.9), dbSNP rs1925577525, ClinGen allele CA2417968044.